The following is an entry in ClinVar:

ClinVar aggregate classification (germline): Uncertain significance. Review status: reviewed by expert panel (3 of 4 stars). 4 submissions from 4 submitters: Uncertain significance (1). 3 of the submissions do not count toward it. Last evaluated 2024-09-25.

Conditions:
Hereditary thrombocytopenia and hematologic cancer predisposition syndrome. Identifiers: Orphanet 71290, MedGen CN281654, MONDO:0011071.
Inborn genetic diseases. Identifiers: MedGen C0950123, MeSH D030342.
Acute myeloid leukemia (AML). Also called: Leukemia, acute myeloid, somatic; Leukemia, acute myelogenous, somatic; Acute myeloid leukemia, adult; AML adult; Acute non-lymphocytic leukemia; Acute granulocytic leukemia. Identifiers: Orphanet 519, MedGen C0023467, MeSH D015470, MONDO:0018874, OMIM 601626, HP:0004808. Disease mechanism: Constitutively activated FLT3.
Hereditary thrombocytopenia and hematological cancer predisposition syndrome associated with RUNX1. Also called: PLATELET DISORDER, ASPIRIN-LIKE; Familial thrombocytopenia with propensity to acute myelogenous leukemia; Familial Platelet Disorder with Propensity to Acute Myelogenous Leukemia; RUNX1 Familial Platelet Disorder with Associated Myeloid Malignancies. Identifiers: Orphanet 71290, MedGen C1832388, MeSH C563324, MONDO:0100083, OMIM 601399.

Allele frequency attached by ClinVar (database versions not stated): gnomAD 0.00001; ExAC 0.00002; TOPMed 0.00002.
gnomAD v4.1: 41 of 1,602,222 alleles (0.0026%); highest among the groups gnomAD compares: Non-Finnish European, 0.0033%; no homozygotes.

Submissions (4):

ClinGen Myeloid Malignancy Variant Curation Expert Panel
Classification: Uncertain significance for Hereditary thrombocytopenia and hematologic cancer predisposition syndrome. Last evaluated: 2024-09-25. Review status: reviewed by expert panel. Criteria: ClinGen MyeloMalig ACMG Specifications v2. Collection method: curation. Allele origin: germline. Inheritance: Autosomal dominant inheritance.
Comment: NM_001754.5(RUNX1):c.182C>T (p.Pro61Leu) is a missense variant which has a REVEL score < 0.50 (0.385) and a SpliceAI score ≤ 0.20 (0.02) (BP4). In summary, the clinical significance of this variant is uncertain. ACMG/AMP criteria applied, as specified by the Myeloid Malignancy Variant Curation Expert Panel for RUNX1: BP4.

Labcorp Genetics (formerly Invitae), Labcorp
Classification: Uncertain significance for Hereditary thrombocytopenia and hematological cancer predisposition syndrome associated with RUNX1. Last evaluated: 2025-09-16. Review status: criteria provided, single submitter. Criteria: Invitae Variant Classification Sherloc (09022015). Collection method: clinical testing. Allele origin: germline. Not counted in ClinVar's aggregate classification.
Comment: This sequence change replaces proline, which is neutral and non-polar, with leucine, which is neutral and non-polar, at codon 61 of the RUNX1 protein (p.Pro61Leu). This variant is present in population databases (rs769213771, gnomAD 0.005%). This variant has not been reported in the literature in individuals affected with RUNX1-related conditions. ClinVar contains an entry for this variant (Variation ID: 532655). Invitae Evidence Modeling of protein sequence and biophysical properties (such as structural, functional, and spatial information, amino acid conservation, physicochemical variation, residue mobility, and thermodynamic stability) has been performed for this missense variant. However, the output from this modeling did not meet the statistical confidence thresholds required to predict the impact of this variant on RUNX1 protein function. In summary, the available evidence is currently insufficient to determine the role of this variant in disease. Therefore, it has been classified as a Variant of Uncertain Significance.

Ambry Genetics
Classification: Uncertain significance for Inborn genetic diseases. Last evaluated: 2024-12-18. Review status: criteria provided, single submitter. Criteria: Ambry Variant Classification Scheme 2023. Collection method: clinical testing. Allele origin: germline. Not counted in ClinVar's aggregate classification.
Comment: The p.P61L variant (also known as c.182C>T), located in coding exon 3 of the RUNX1 gene, results from a C to T substitution at nucleotide position 182. The proline at codon 61 is replaced by leucine, an amino acid with similar properties. This amino acid position is not well conserved in available vertebrate species. In addition, the in silico prediction for this alteration is inconclusive. Based on the available evidence, the clinical significance of this variant remains unclear.

Baylor Genetics
Classification: Uncertain significance for Acute myeloid leukemia. Last evaluated: 2020-01-13. Review status: criteria provided, single submitter. Criteria: ACMG Guidelines, 2015. Collection method: clinical testing. Allele origin: paternal. Affected: yes. Study: CSER-TexasKidsCanSeq. Not counted in ClinVar's aggregate classification.
Comment: This variant was determined to be of uncertain significance according to ACMG Guidelines, 2015 [PMID:25741868].

NM_001754.5(RUNX1):c.182C>T (p.Pro61Leu)

Gene: RUNX1 (RUNX family transcription factor 1; minus strand). Cytogenetic location: 21q22.12.
Variant type: single nucleotide variant.
Coding change: c.182C>T on transcript NM_001754.5 (MANE Select); coding-DNA position 182, C replaced by T.
Protein change: p.Pro61Leu; replaces proline 61 with leucine.
Molecular consequence: missense variant.
Genome position (GRCh38, 1-based): chr21:34,887,012, G>A on the plus strand (C>T on the coding strand, the complement: RUNX1 is on the minus strand). VCF-style: chr21-34887012-G-A. GRCh37 (hg19) VCF-style: chr21-36259309-G-A.
Other names: NM_001754.5(RUNX1):c.182C>T; p.Pro61Leu; c.101C>T, p.Pro34Leu (NM_001001890.3, NM_001122607.2); short protein forms P61L, P34L.
Identifiers: ClinVar variation 532655 (VCV000532655.13), dbSNP rs769213771, ClinGen allele CA10014573.